The following is an entry in ClinVar:

NC_000002.11:g.(?_160245846)_(160335230_?)del

Gene: BAZ2B (bromodomain adjacent to zinc finger domain 2B; minus strand). Cytogenetic location: 2q24.2.
Variant type: Deletion.
Identifiers: ClinVar variation 1455518 (VCV001455518.4).

ClinVar aggregate classification (germline): Pathogenic (1 of 4 stars; one submission).

Submission:

Labcorp Genetics (formerly Invitae), Labcorp
Classification: Pathogenic. Last evaluated: 2021-03-24. Review status: criteria provided, single submitter. Criteria: Invitae Variant Classification Sherloc (09022015). Collection method: clinical testing. Allele origin: germline.
Comment: For these reasons, this variant has been classified as Pathogenic. This variant has not been reported in the literature in individuals with BAZ2B-related conditions. This variant is a gross deletion of the genomic region encompassing exon(s) 3-21 of the BAZ2B gene, which includes the initiator codon. The 5' end of this event is unknown as it extends beyond the assayed region for this gene and therefore may encompass additional genes. The 3' boundary is likely confined to intron 21 of the BAZ2B gene. It is expected to result in an absent or disrupted protein product. Loss-of-function variants in BAZ2B are known to be pathogenic (PMID: 31999386).

Literature cited by the submitters: PubMed 31999386.